The following is an entry in ClinVar:

ClinVar aggregate classification (germline): Conflicting classifications of pathogenicity. Review status: criteria provided, conflicting classifications (1 of 4 stars). 4 submissions from 4 submitters: Uncertain significance (2); Benign (1); Likely benign (1). Last evaluated 2025-05-23.

Conditions:
Hereditary nonpolyposis colorectal neoplasms. Identifiers: MedGen C0009405, MeSH D003123.
Lynch syndrome 4 (LYNCH4). Also called: Colorectal cancer, hereditary nonpolyposis, type 4; Hereditary non-polyposis colorectal cancer, type 4. Identifiers: Orphanet 144, MedGen C1838333, MONDO:0013699, OMIM 614337. Disease mechanism: loss of function.
Hereditary cancer-predisposing syndrome. Also called: Neoplastic Syndromes, Hereditary; Tumor predisposition; Hereditary Cancer Syndrome; Hereditary neoplastic syndrome. Identifiers: Orphanet 140162, MedGen C0027672, MeSH D009386, MONDO:0015356.

Submissions (4):

GeneDx
Classification: Uncertain significance. Last evaluated: 2025-05-23. Review status: criteria provided, single submitter. Criteria: GeneDx Variant Classification Process June 2021. Collection method: clinical testing. Allele origin: germline. Affected: yes.
Comment: Not observed at significant frequency in large population cohorts (gnomAD); Has not been previously published as pathogenic or benign to our knowledge; In silico analysis suggests this variant may impact gene splicing. In the absence of RNA/functional studies, the actual effect of this sequence change is unknown.

Myriad Genetics, Inc.
Classification: Benign for Lynch syndrome 4. Last evaluated: 2025-01-29. Review status: criteria provided, single submitter. Criteria: Myriad Autosomal Dominant, Autosomal Recessive and X-Linked Classification Criteria (2023). Collection method: clinical testing. Allele origin: unknown.
Comment: This variant is considered benign. This variant is a silent/synonymous amino acid change and it is not expected to impact splicing.

Ambry Genetics
Classification: Uncertain significance for Hereditary cancer-predisposing syndrome. Last evaluated: 2019-12-27. Review status: criteria provided, single submitter. Criteria: Ambry Variant Classification Scheme 2023. Collection method: clinical testing. Allele origin: germline.
Comment: The c.1146T>C variant (also known as p.G382G), located in coding exon 11 of the PMS2 gene, results from a T to C substitution at nucleotide position 1146. This nucleotide substitution does not change the at codon 382. This nucleotide position is not well conserved in available vertebrate species. In silico splice site analysis predicts that this alteration may result in the creation or strengthening of a novel splice acceptor site; however, direct evidence is unavailable. Since supporting evidence is limited at this time, the clinical significance of this alteration remains unclear.

Labcorp Genetics (formerly Invitae), Labcorp
Classification: Likely benign for Hereditary nonpolyposis colorectal neoplasms. Last evaluated: 2016-03-31. Review status: criteria provided, single submitter. Criteria: Invitae Variant Classification Sherloc (09022015). Collection method: clinical testing. Allele origin: germline.

NM_000535.7(PMS2):c.1146T>C (p.Gly382=)

Gene: PMS2 (PMS1 homolog 2, mismatch repair system component; minus strand). Cytogenetic location: 7p22.1.
Variant type: single nucleotide variant.
Coding change: c.1146T>C on transcript NM_000535.7 (MANE Select); coding-DNA position 1146, T replaced by C.
Protein change: p.Gly382=; no amino-acid change (glycine 382 retained).
Molecular consequence: synonymous variant. On other transcripts: non-coding transcript variant (1).
Genome position (GRCh38, 1-based): chr7:5,987,619, A>G on the plus strand (T>C on the coding strand, the complement: PMS2 is on the minus strand). VCF-style: chr7-5987619-A-G. GRCh37 (hg19) VCF-style: chr7-6027250-A-G.
Other names: c.741T>C, p.Gly247= (NM_001322003.2, NM_001322004.2, NM_001322005.2 and 1 more transcripts); c.990T>C, p.Gly330= (NM_001322006.2); c.828T>C, p.Gly276= (NM_001322007.2, NM_001322008.2); c.585T>C, p.Gly195= (NM_001322010.2); c.213T>C, p.Gly71= (NM_001322011.2, NM_001322012.2); c.573T>C, p.Gly191= (NM_001322013.2); c.1146T>C, p.Gly382= (NM_001322014.2); c.837T>C, p.Gly279= (NM_001322015.2).
Identifiers: ClinVar variation 484269 (VCV000484269.16), dbSNP rs1554298091, ClinGen allele CA453643828.
Genomic context (GRCh38, chr7:5,987,619, plus strand): 5'-TTGATCCTGCTTTTCTACCATGGGCTTTTCCAAATCCGCTGCATGCATTTTTATTAAGTT[A>G]CCTAAGCAAACGTGGACGGAGAAGAGGGTCAGGGACTATCCTGAAATGGTGAGAGGACGT-3'
Protein context (NP_000526.2, residues 372-392): VSQQPLLDVE[Gly382=]NLIKMHAADL